The following is an entry in ClinVar:

NM_001029883.3(PCARE):c.2991G>A (p.Thr997=)

Gene: PCARE (photoreceptor cilium actin regulator; minus strand). Cytogenetic location: 2p23.2.
Variant type: single nucleotide variant.
Coding change: c.2991G>A on transcript NM_001029883.3 (MANE Select); coding-DNA position 2991, G replaced by A.
Protein change: p.Thr997=; no amino-acid change (threonine 997 retained).
Molecular consequence: synonymous variant.
Genome position (GRCh38, 1-based): chr2:29,071,271, C>T on the plus strand (G>A on the coding strand, the complement: PCARE is on the minus strand). VCF-style: chr2-29071271-C-T. GRCh37 (hg19) VCF-style: chr2-29294137-C-T.
Identifiers: ClinVar variation 335643 (VCV000335643.15), dbSNP rs528901190, ClinGen allele CA1592059.

ClinVar aggregate classification (germline): Conflicting classifications of pathogenicity. Review status: criteria provided, conflicting classifications (1 of 4 stars). 4 submissions from 4 submitters: Uncertain significance (1); Likely benign (3). Last evaluated 2025-10-08.

Conditions:
PCARE-related disorder. Also called: PCARE-related condition.
Retinitis pigmentosa (RP). Identifiers: Orphanet 791, MedGen C0035334, MeSH D012174, MONDO:0019200, OMIM 268000. Inheritance: Autosomal dominant, autosomal recessive and X linked inheritance.

Allele frequency attached by ClinVar (database versions not stated): gnomAD 0.00002; gnomAD exomes 0.00003 and 0.00005; TOPMed 0.00003; ExAC 0.00005.

Submissions (4):

PreventionGenetics, part of Exact Sciences
Classification: Likely benign for PCARE-related condition. Last evaluated: 2025-10-08. Review status: criteria provided, single submitter. Criteria: ACMG Guidelines, 2015. Collection method: clinical testing. Allele origin: germline.
Comment: This variant is classified as likely benign based on ACMG/AMP sequence variant interpretation guidelines (Richards et al. 2015 PMID: 25741868, with internal and published modifications).

Labcorp Genetics (formerly Invitae), Labcorp
Classification: Likely benign. Last evaluated: 2025-09-18. Review status: criteria provided, single submitter. Criteria: Invitae Variant Classification Sherloc (09022015). Collection method: clinical testing. Allele origin: germline.

Blueprint Genetics
Classification: Likely benign. Last evaluated: 2024-06-05. Review status: criteria provided, single submitter. Criteria: ACMG Guidelines, 2015. Collection method: clinical testing. Allele origin: germline.

Illumina Laboratory Services, Illumina
Classification: Uncertain significance for Retinitis pigmentosa. Last evaluated: 2018-01-13. Review status: criteria provided, single submitter. Criteria: ICSL Variant Classification Criteria 13 December 2019. Collection method: clinical testing. Allele origin: germline.